The following is an entry in ClinVar:

ClinVar aggregate classification (germline): Uncertain significance. Review status: criteria provided, multiple submitters, no conflicts (2 of 4 stars). 2 submissions from 2 submitters: Uncertain significance (2). Last evaluated 2025-07-27.

Conditions:
Hereditary cancer-predisposing syndrome. Also called: Neoplastic Syndromes, Hereditary; Tumor predisposition; Hereditary Cancer Syndrome; Hereditary neoplastic syndrome. Identifiers: Orphanet 140162, MedGen C0027672, MeSH D009386, MONDO:0015356.
Hereditary nonpolyposis colorectal neoplasms. Identifiers: MedGen C0009405, MeSH D003123.

Submissions (2):

Labcorp Genetics (formerly Invitae), Labcorp
Classification: Uncertain significance for Hereditary nonpolyposis colorectal neoplasms. Last evaluated: 2025-07-27. Review status: criteria provided, single submitter. Criteria: Invitae Variant Classification Sherloc (09022015). Collection method: clinical testing. Allele origin: germline.
Comment: This sequence change replaces glycine, which is neutral and non-polar, with aspartic acid, which is acidic and polar, at codon 460 of the MSH6 protein (p.Gly460Asp). This variant is not present in population databases (gnomAD no frequency). This variant has not been reported in the literature in individuals affected with MSH6-related conditions. ClinVar contains an entry for this variant (Variation ID: 639316). Invitae Evidence Modeling of protein sequence and biophysical properties (such as structural, functional, and spatial information, amino acid conservation, physicochemical variation, residue mobility, and thermodynamic stability) indicates that this missense variant is expected to disrupt MSH6 protein function with a positive predictive value of 80%. In summary, the available evidence is currently insufficient to determine the role of this variant in disease. Therefore, it has been classified as a Variant of Uncertain Significance.

Ambry Genetics
Classification: Uncertain significance for Hereditary cancer-predisposing syndrome. Last evaluated: 2019-08-29. Review status: criteria provided, single submitter. Criteria: Ambry Variant Classification Scheme 2023. Collection method: clinical testing. Allele origin: germline.
Comment: The p.G460D variant (also known as c.1379G>A), located in coding exon 4 of the MSH6 gene, results from a G to A substitution at nucleotide position 1379. The glycine at codon 460 is replaced by aspartic acid, an amino acid with similar properties. This amino acid position is highly conserved in available vertebrate species. In addition, this alteration is predicted to be deleterious by in silico analysis. Since supporting evidence is limited at this time, the clinical significance of this alteration remains unclear.

NM_000179.3(MSH6):c.1379G>A (p.Gly460Asp)

Gene: MSH6 (mutS homolog 6; plus strand). Cytogenetic location: 2p16.3.
Variant type: single nucleotide variant.
Coding change: c.1379G>A on transcript NM_000179.3 (MANE Select); coding-DNA position 1379, G replaced by A.
Protein change: p.Gly460Asp; replaces glycine 460 with aspartic acid.
Molecular consequence: missense variant.
Genome position (GRCh38, 1-based): chr2:47,799,362, G>A. VCF-style: chr2-47799362-G-A. GRCh37 (hg19) VCF-style: chr2-48026501-G-A.
Other names: c.989G>A, p.Gly330Asp (NM_001281492.2); c.473G>A, p.Gly158Asp (NM_001281493.2, NM_001281494.2); short protein forms G158D, G330D, G460D.
Identifiers: ClinVar variation 639316 (VCV000639316.11), dbSNP rs1572722767, ClinGen allele CA346744976.